The following is an entry in ClinVar:

NM_030917.4(FIP1L1):c.27A>G (p.Leu9=)

Genes: FIP1L1 (factor interacting with PAPOLA and CPSF1; plus strand), FIP1L1-AS1 (FIP1L1 antisense RNA 1; minus strand). Cytogenetic location: 4q12.
Variant type: single nucleotide variant.
Coding change: c.27A>G on transcript NM_030917.4 (MANE Select); coding-DNA position 27, A replaced by G.
Protein change: p.Leu9=; no amino-acid change (leucine 9 retained).
Molecular consequence: synonymous variant. On other transcripts: non-coding transcript variant (3), 5 prime UTR variant (1).
Genome position (GRCh38, 1-based): chr4:53,377,865, A>G. VCF-style: chr4-53377865-A-G. GRCh37 (hg19) VCF-style: chr4-54244032-A-G.
Other names: c.27A>G, p.Leu9= (NM_001376783.1, NM_001376784.1, NM_001376785.1 and 42 more transcripts); c.-32A>G (NM_001376782.1).
Identifiers: ClinVar variation 4084860 (VCV004084860.8).

ClinVar aggregate classification (germline): Likely benign (1 of 4 stars; one submission).

Submission:

CeGaT Center for Human Genetics Tuebingen
Classification: Likely benign. Last evaluated: 2025-07-01. Review status: criteria provided, single submitter. Criteria: CeGaT Center For Human Genetics Tuebingen Variant Classification Criteria Version 2. Collection method: clinical testing. Allele origin: germline. Affected: yes. Observed: 1 variant allele.
Comment: FIP1L1: BP4, BP7